The following is an entry in ClinVar:

ClinVar aggregate classification (germline): Uncertain significance (1 of 4 stars; one submission).

Conditions:
MHC class I deficiency. Identifiers: Orphanet 34592, MedGen C6024714, MONDO:0011476.

Allele frequency attached by ClinVar (database versions not stated): ExAC 0.00001; gnomAD exomes below 0.00001.
gnomAD v4.1: 1 of 1,600,576 alleles (0.000062%); highest among the groups gnomAD compares: Non-Finnish European, 0.000085%; no homozygotes.

Submission:

Labcorp Genetics (formerly Invitae), Labcorp
Classification: Uncertain significance for MHC class I deficiency 1. Last evaluated: 2023-07-17. Review status: criteria provided, single submitter. Criteria: Invitae Variant Classification Sherloc (09022015). Collection method: clinical testing. Allele origin: germline.
Comment: In summary, the available evidence is currently insufficient to determine the role of this variant in disease. Therefore, it has been classified as a Variant of Uncertain Significance. Experimental studies and prediction algorithms are not available or were not evaluated, and the functional significance of this variant is currently unknown. ClinVar contains an entry for this variant (Variation ID: 1347129). This variant has not been reported in the literature in individuals affected with TAP2-related conditions. This variant is present in population databases (rs756204249, gnomAD 0.001%). This sequence change replaces leucine, which is neutral and non-polar, with phenylalanine, which is neutral and non-polar, at codon 23 of the TAP2 protein (p.Leu23Phe).

NM_001290043.2(TAP2):c.67C>T (p.Leu23Phe)

Gene: TAP2 (transporter 2, ATP binding cassette subfamily B member; minus strand). Cytogenetic location: 6p21.32.
Variant type: single nucleotide variant.
Coding change: c.67C>T on transcript NM_001290043.2 (MANE Select); coding-DNA position 67, C replaced by T.
Protein change: p.Leu23Phe; replaces leucine 23 with phenylalanine.
Molecular consequence: missense variant.
Genome position (GRCh38, 1-based): chr6:32,838,167, G>A on the plus strand (C>T on the coding strand, the complement: TAP2 is on the minus strand). VCF-style: chr6-32838167-G-A. GRCh37 (hg19) VCF-style: chr6-32805944-G-A.
Other names: c.67C>T, p.Leu23Phe (NM_000544.3, NM_018833.3); short protein forms L23F.
Identifiers: ClinVar variation 1347129 (VCV001347129.6), dbSNP rs756204249, ClinGen allele CA3746231.